The following is an entry in ClinVar:

ClinVar aggregate classification (germline): Uncertain significance (1 of 4 stars; one submission).

Submission:

Athena Diagnostics
Classification: Uncertain significance. Last evaluated: 2023-02-09. Review status: criteria provided, single submitter. Criteria: Athena Diagnostics Criteria. Collection method: clinical testing. Allele origin: unknown.
Comment: Available data are insufficient to determine the clinical significance of the variant at this time. The frequency of this variant in the general population is uninformative in assessment of its pathogenicity. Computational tools predict that this variant is not damaging.

NM_006883.2(SHOX):c.635T>C (p.Met212Thr)

Gene: SHOX (SHOX homeobox; plus strand). Cytogenetic location: Xp22.33.
Variant type: single nucleotide variant.
Coding change: c.635T>C on transcript NM_006883.2; coding-DNA position 635, T replaced by C.
Protein change: p.Met212Thr; replaces methionine 212 with threonine.
Molecular consequence: missense variant.
Genome position (GRCh38, 1-based): chrX:658,786, T>C. VCF-style: chrX-658786-T-C. GRCh37 (hg19) VCF-style: chrX-619521-T-C.
Other names: short protein forms M212T.
Identifiers: ClinVar variation 2684380 (VCV002684380.1), dbSNP rs912302856, ClinGen allele CA325627329.